The following is an entry in ClinVar:

Conditions:
Arteriohepatic dysplasia. Also called: Alagille Syndrome. Identifiers: Orphanet 52, MedGen C0085280, MeSH D016738, MONDO:0007318.

Submission:

Gilbert/Spinner Lab, Children's Hospital of Philadelphia
No classification provided (evidence only). Condition: Alagille syndrome. Review status: no classification provided. Collection method: research. Allele origin: not applicable. Functional consequence: functionally_abnormal.
ClinVar note: "not provided" was previously submitted as the classification for the variant. However, the classification appeared to be based only on an observation of functional data so it was converted to no classification on 2025-07-30.

NM_000214.3(JAG1):c.409G>A (p.Glu137Lys)

Gene: JAG1 (jagged canonical Notch ligand 1; minus strand). Cytogenetic location: 20p12.2.
Variant type: single nucleotide variant.
Coding change: c.409G>A on transcript NM_000214.3 (MANE Select); coding-DNA position 409, G replaced by A.
Protein change: p.Glu137Lys; replaces glutamic acid 137 with lysine.
Molecular consequence: missense variant.
Genome position (GRCh38, 1-based): chr20:10,663,993, C>T on the plus strand (G>A on the coding strand, the complement: JAG1 is on the minus strand). VCF-style: chr20-10663993-C-T. GRCh37 (hg19) VCF-style: chr20-10644641-C-T.
Other names: short protein forms E137K.
Identifiers: ClinVar variation 3573462 (VCV003573462.2).